The following is an entry in ClinVar:

NM_001379500.1(COL18A1):c.1913C>T (p.Pro638Leu)

Gene: COL18A1 (collagen type XVIII alpha 1 chain; plus strand). Cytogenetic location: 21q22.3.
Variant type: single nucleotide variant.
Coding change: c.1913C>T on transcript NM_001379500.1 (MANE Select); coding-DNA position 1913, C replaced by T.
Protein change: p.Pro638Leu; replaces proline 638 with leucine.
Molecular consequence: missense variant.
Genome position (GRCh38, 1-based): chr21:45,488,434, C>T. VCF-style: chr21-45488434-C-T. GRCh37 (hg19) VCF-style: chr21-46908348-C-T.
Other names: NM_130445.2:c.1913C>T; c.2453C>T, p.Pro818Leu (NM_030582.4); c.3158C>T, p.Pro1053Leu (NM_130444.3); c.2453C>T (NM_030582.3); short protein forms P1053L, P818L, P638L.
Identifiers: ClinVar variation 1369142 (VCV001369142.9), dbSNP rs746540372, ClinGen allele CA10066653.

ClinVar aggregate classification (germline): Uncertain significance. Review status: criteria provided, multiple submitters, no conflicts (2 of 4 stars). 4 submissions from 4 submitters: Uncertain significance (4). Last evaluated 2026-08-18.

Conditions:
COL18A1-related disorder. Also called: COL18A1-related disorders; COL18A1-related condition.
Inborn genetic diseases. Identifiers: MedGen C0950123, MeSH D030342.

Allele frequency attached by ClinVar (database versions not stated): gnomAD exomes 0.00004 and 0.00006; ExAC 0.00005; gnomAD 0.00008 and 0.00009; TOPMed 0.00011.
gnomAD v4.1: 70 of 1,613,742 alleles (0.0043%); highest among the groups gnomAD compares: Middle Eastern, 0.016%; no homozygotes.

Submissions (4):

PreventionGenetics, part of Exact Sciences
Classification: Uncertain significance for COL18A1-related condition. Last evaluated: 2026-08-18. Review status: criteria provided, single submitter. Criteria: ACMG Guidelines, 2015. Collection method: clinical testing. Allele origin: germline.
Comment: The COL18A1 c.2453C>T variant is predicted to result in the amino acid substitution p.Pro818Leu. To our knowledge, this variant has not been reported in the literature. This variant is reported in 0.011% of alleles in individuals of Latino descent in gnomAD. At this time, the clinical significance of this variant is uncertain due to the absence of conclusive functional and genetic evidence.

Ambry Genetics
Classification: Uncertain significance for Inborn genetic diseases. Last evaluated: 2025-03-17. Review status: criteria provided, single submitter. Criteria: Ambry Variant Classification Scheme 2023. Collection method: clinical testing. Allele origin: germline.

Blueprint Genetics
Classification: Uncertain significance. Last evaluated: 2024-07-19. Review status: criteria provided, single submitter. Criteria: ACMG Guidelines, 2015. Collection method: clinical testing. Allele origin: germline.

Labcorp Genetics (formerly Invitae), Labcorp
Classification: Uncertain significance. Last evaluated: 2022-10-04. Review status: criteria provided, single submitter. Criteria: Invitae Variant Classification Sherloc (09022015). Collection method: clinical testing. Allele origin: germline.
Comment: This sequence change replaces proline, which is neutral and non-polar, with leucine, which is neutral and non-polar, at codon 638 of the COL18A1 protein (p.Pro638Leu). This variant is present in population databases (rs746540372, gnomAD 0.01%). This variant has not been reported in the literature in individuals affected with COL18A1-related conditions. ClinVar contains an entry for this variant (Variation ID: 1369142). Experimental studies and prediction algorithms are not available or were not evaluated, and the functional significance of this variant is currently unknown. In summary, the available evidence is currently insufficient to determine the role of this variant in disease. Therefore, it has been classified as a Variant of Uncertain Significance.